The following is an entry in ClinVar:

ClinVar aggregate classification (germline): Uncertain significance (1 of 4 stars; one submission).

Submission:

Labcorp Genetics (formerly Invitae), Labcorp
Classification: Uncertain significance. Last evaluated: 2026-01-27. Review status: criteria provided, single submitter. Criteria: Invitae Variant Classification Sherloc (09022015). Collection method: clinical testing. Allele origin: germline.
Comment: This variant, c.3918_3923del, results in the deletion of 2 amino acid(s) of the ABCC8 protein (p.Gln1307_Leu1308del), but otherwise preserves the integrity of the reading frame. This variant is not present in population databases (gnomAD no frequency). This variant has not been reported in the literature in individuals affected with ABCC8-related conditions. Experimental studies and prediction algorithms are not available or were not evaluated, and the functional significance of this variant is currently unknown. In summary, the available evidence is currently insufficient to determine the role of this variant in disease. Therefore, it has been classified as a Variant of Uncertain Significance.

NM_000352.6(ABCC8):c.3918_3923del (p.Gln1307_Leu1308del)

Gene: ABCC8 (ATP binding cassette subfamily C member 8; minus strand). Cytogenetic location: 11p15.1.
Variant type: Deletion.
Coding change: c.3918_3923del on transcript NM_000352.6 (MANE Select); coding-DNA positions 3918 to 3923, 6 bases deleted (CCAGCT; older notation c.3918_3923delCCAGCT).
Protein change: p.Gln1307_Leu1308del.
Molecular consequence: inframe deletion. On other transcripts: non-coding transcript variant (1).
Genome position (GRCh38, 1-based): chr11:17,397,258-17,397,263, AGCTGG deleted on the plus strand (CCAGCT on the coding strand, the reverse complement: ABCC8 is on the minus strand); deleting any 6 consecutive bases within chr11:17,397,258-17,397,267 gives the same sequence; the c. name uses the placement nearest the transcript's 3' end. VCF-style (leftmost placement, unchanged base first): chr11-17397257-CAGCTGG-C. GRCh37 (hg19) VCF-style: chr11-17418804-CAGCTGG-C.
Other names: c.3921_3926del, p.Gln1308_Leu1309del (NM_001287174.3); c.3984_3989del, p.Gln1329_Leu1330del (NM_001351295.2); c.3918_3923del, p.Gln1307_Leu1308del (NM_001351296.2); c.3915_3920del, p.Gln1306_Leu1307del (NM_001351297.2).
Identifiers: ClinVar variation 4727230 (VCV004727230.1).
Genomic context (GRCh38, chr11:17,397,257, plus strand): 5'-GAGCCCCTCGTAGCTCTCTGCCTCGGTTTTCAGGAGCCCATGGATGCGCTTCACAGCCCC[CAGCTGG>C]AGCTCCATGTCTGCCAGGTTCCTCACCATCCAGTTGAGGTAGTTGGAGACCTGTGGGGAG-3'